The following is an entry in ClinVar:

ClinVar aggregate classification (germline): Benign/Likely benign. Review status: criteria provided, multiple submitters, no conflicts (2 of 4 stars). 4 submissions from 4 submitters: Benign (2); Likely benign (1). 1 of the submissions does not count toward it. Last evaluated 2025-06-20.

Conditions:
Holoprosencephaly 9 (HPE9). Also called: PITUITARY ANOMALIES WITH HOLOPROSENCEPHALY-LIKE FEATURES; HOLOPROSENCEPHALY WITH MICROPHTHALMIA AND FIRST BRANCHIAL ARCH ANOMALIES. Identifiers: Orphanet 2162, MedGen C1835819, MONDO:0012563, OMIM 610829.
GLI2-related disorder. Also called: GLI2-related disorders; GLI2-related condition.
Postaxial polydactyly-anterior pituitary anomalies-facial dysmorphism syndrome. Also called: Culler-Jones syndrome. Identifiers: Orphanet 420584, MedGen C4014479, MONDO:0014369, OMIM 615849.

Allele frequency attached by ClinVar (database versions not stated): ESP Exome Variant Server 0.00038; gnomAD 0.00078 and 0.00086; gnomAD exomes 0.00079 and 0.00150; ExAC 0.00199; 1000 Genomes Project 30x 0.00016; 1000 Genomes Project 0.00020; TOPMed 0.00033.
gnomAD v4.1: 1,296 of 1,612,528 alleles (0.08%); highest among the groups gnomAD compares: Non-Finnish European, 0.067%; 4 homozygotes.

Submissions (4):

Labcorp Genetics (formerly Invitae), Labcorp
Classification: Benign for Postaxial polydactyly-anterior pituitary anomalies-facial dysmorphism syndrome; Holoprosencephaly 9. Last evaluated: 2025-06-20. Review status: criteria provided, single submitter. Criteria: Invitae Variant Classification Sherloc (09022015). Collection method: clinical testing. Allele origin: germline.

Blueprint Genetics
Classification: Likely benign. Last evaluated: 2024-11-23. Review status: criteria provided, single submitter. Criteria: ACMG Guidelines, 2015. Collection method: clinical testing. Allele origin: germline.

Illumina Laboratory Services, Illumina
Classification: Benign for Holoprosencephaly 9. Last evaluated: 2018-01-13. Review status: criteria provided, single submitter. Criteria: ICSL Variant Classification Criteria 13 December 2019. Collection method: clinical testing. Allele origin: germline.
Comment: This variant was observed in the ICSL laboratory as part of a predisposition screen in an ostensibly healthy population. It had not been previously curated by ICSL or reported in the Human Gene Mutation Database (HGMD: prior to June 1st, 2018), and was therefore a candidate for classification through an automated scoring system. Utilizing variant allele frequency, disease prevalence and penetrance estimates, and inheritance mode, an automated score was calculated to assess if this variant is too frequent to cause the disease. Based on the score and internal cut-off values, a variant classified as benign is not then subjected to further curation. The score for this variant resulted in a classification of benign for this disease.

PreventionGenetics, part of Exact Sciences
Classification: Benign for GLI2-related condition. Last evaluated: 2019-07-15. Review status: no assertion criteria provided. Collection method: clinical testing. Allele origin: germline. Not counted in ClinVar's aggregate classification.
Comment: This variant is classified as benign based on ACMG/AMP sequence variant interpretation guidelines (Richards et al. 2015 PMID: 25741868, with internal and published modifications).

NM_001374353.1(GLI2):c.291C>T (p.Asp97=)

Gene: GLI2 (GLI family zinc finger 2; plus strand). Cytogenetic location: 2q14.2.
Variant type: single nucleotide variant.
Coding change: c.291C>T on transcript NM_001374353.1 (MANE Select); coding-DNA position 291, C replaced by T.
Protein change: p.Asp97=; no amino-acid change (aspartic acid 97 retained).
Molecular consequence: synonymous variant. On other transcripts: 5 prime UTR variant (1).
Genome position (GRCh38, 1-based): chr2:120,951,279, C>T. VCF-style: chr2-120951279-C-T. GRCh37 (hg19) VCF-style: chr2-121708855-C-T.
Other names: c.291C>T, p.Asp97= (NM_001371271.1, NM_005270.5); c.-85C>T (NM_001374354.1).
Identifiers: ClinVar variation 702846 (VCV000702846.15), dbSNP rs199671413, ClinGen allele CA1851492.
Genomic context (GRCh38, chr2:120,951,279, plus strand): 5'-GACGGCTGCCCATTGTCTCTGCAGGCCCCCTGCCCTCAGCGGCAGCCCTGTCATCTCTGA[C>T]ATCTCCTTGATCCGGCTTTCCCCGCACCCGGCTGGCCCTGGGGAGTCCCCCTTCAACGCC-3'
Protein context (NP_001361282.1, residues 87-107): PALSGSPVIS[Asp97=]ISLIRLSPHP